The following is an entry in ClinVar:

NM_001243133.2(NLRP3):c.2753G>A (p.Arg918Gln)

Gene: NLRP3 (NLR family pyrin domain containing 3; plus strand). Cytogenetic location: 1q44.
Variant type: single nucleotide variant.
Coding change: c.2753G>A on transcript NM_001243133.2 (MANE Select); coding-DNA position 2753, G replaced by A.
Protein change: p.Arg918Gln; replaces arginine 918 with glutamine.
Molecular consequence: missense variant.
Genome position (GRCh38, 1-based): chr1:247,444,061, G>A. VCF-style: chr1-247444061-G-A. GRCh37 (hg19) VCF-style: chr1-247607363-G-A.
Other names: c.2753G>A, p.Arg918Gln (NM_001079821.3); c.2582G>A, p.Arg861Gln (NM_001127461.3, NM_001127462.3); c.2759G>A, p.Arg920Gln (NM_004895.5); c.2411G>A, p.Arg804Gln (NM_183395.3); short protein forms R918Q, R920Q, R804Q, R861Q.
Identifiers: ClinVar variation 446409 (VCV000446409.16), dbSNP rs1553293095, ClinGen allele CA345565085.

ClinVar aggregate classification (germline): Conflicting classifications of pathogenicity. Review status: criteria provided, conflicting classifications (1 of 4 stars). 6 submissions from 6 submitters: Likely pathogenic (3); Uncertain significance (2). 1 of the submissions does not count toward it. Last evaluated 2026-08-01.

Conditions:
NLRP3-related disorder. Also called: NLRP3-related condition; NLRP3-Related Disorders.
Cryopyrin associated periodic syndrome (CAPS). Identifiers: Orphanet 208650, MedGen C2316212, MONDO:0016168.
Hearing loss, autosomal dominant 34, with or without inflammation. Also called: DEAFNESS, AUTOSOMAL DOMINANT 34, WITH OR WITHOUT INFLAMMATION. Identifiers: MedGen C4521680, MONDO:0033261, OMIM 617772.

Allele frequency attached by ClinVar (database versions not stated): gnomAD exomes below 0.00001.
gnomAD v4.1: 1 of 1,614,136 alleles (0.000062%); highest among the groups gnomAD compares: Non-Finnish European, 0.000085%; no homozygotes.

Submissions (6):

CeGaT Center for Human Genetics Tuebingen
Classification: Likely pathogenic. Last evaluated: 2026-08-01. Review status: criteria provided, single submitter. Criteria: CeGaT Center For Human Genetics Tuebingen Variant Classification Criteria Version 2. Collection method: clinical testing. Allele origin: germline. Affected: yes. Observed: 1 variant allele.
Comment: NLRP3: PP1:Strong, PM2, PS3:Supporting, PS4:Supporting, BP4

Labcorp Genetics (formerly Invitae), Labcorp
Classification: Uncertain significance for Cryopyrin associated periodic syndrome. Last evaluated: 2025-06-04. Review status: criteria provided, single submitter. Criteria: Invitae Variant Classification Sherloc (09022015). Collection method: clinical testing. Allele origin: germline.
Comment: This sequence change replaces arginine, which is basic and polar, with glutamine, which is neutral and polar, at codon 920 of the NLRP3 protein (p.Arg920Gln). This variant is not present in population databases (gnomAD no frequency). This missense change has been observed in individual(s) with autosomal dominant deafness or clinical features of atypical cryopyrin-associated periodic syndrome (CAPS) (PMID: 28847925, 29342053, 34416374, 34671876). It has also been observed to segregate with disease in related individuals. This variant is also known as p.Arg918Gln. ClinVar contains an entry for this variant (Variation ID: 446409). Invitae Evidence Modeling of protein sequence and biophysical properties (such as structural, functional, and spatial information, amino acid conservation, physicochemical variation, residue mobility, and thermodynamic stability) indicates that this missense variant is not expected to disrupt NLRP3 protein function with a negative predictive value of 95%. In summary, the available evidence is currently insufficient to determine the role of this variant in disease. Therefore, it has been classified as a Variant of Uncertain Significance.

GeneDx
Classification: Likely pathogenic. Last evaluated: 2021-12-27. Review status: criteria provided, single submitter. Criteria: GeneDx Variant Classification Process June 2021. Collection method: clinical testing. Allele origin: germline. Affected: yes.
Comment: Not observed at significant frequency in large population cohorts (Lek et al., 2016); In silico analysis supports that this missense variant does not alter protein structure/function; Also known as p.R918Q; This variant is associated with the following publications: (PMID: 33329557, 34671876, Broderick2015[MeetingAbstract], 29342053, 28847925)

Blueprint Genetics
Classification: Uncertain significance. Last evaluated: 2021-03-03. Review status: criteria provided, single submitter. Criteria: ACMG Guidelines, 2015. Collection method: clinical testing. Allele origin: germline.

Rady Children's Institute for Genomic Medicine, Rady Children's Hospital San Diego
Classification: Likely pathogenic for NLRP3-related disorder. Review status: criteria provided, single submitter. Criteria: ACMG Guidelines, 2015. Collection method: clinical testing. Allele origin: germline. Affected: yes.
Comment: This variant has been previously reported as a heterozygous change in affected family members from two families with sensorineural hearing loss with and without systemic autoinflammation (PMID: 28847925, 29342053). Functional studies in cultured patient cells showed release of high levels of IL-1β in response to stimulation with LPS, supporting gain of function mechanism of the c.2759G>A (p.Arg920Gln) variant (PMID: 28847925, 29342053). This variant is absent from the gnomAD population database and thus is presumed to be rare. In silico analyses do not support a deleterious effect of the c.2759G>A (p.Arg920Gln) variant on protein function. Based on the available evidence, the c.2759G>A (p.Arg920Gln) variant is classified as Likely Pathogenic.

OMIM
Classification: Pathogenic for DEAFNESS, AUTOSOMAL DOMINANT 34, WITH OR WITHOUT INFLAMMATION. Last evaluated: 2017-11-28. Review status: no assertion criteria provided. Collection method: literature only. Allele origin: germline. Not counted in ClinVar's aggregate classification.

Literature cited by the submitters: PubMed 28847925 (cited by Labcorp Genetics (formerly Invitae), Labcorp and OMIM); PubMed 29342053 (cited by Labcorp Genetics (formerly Invitae), Labcorp); PubMed 34416374 (cited by Labcorp Genetics (formerly Invitae), Labcorp); PubMed 34671876 (cited by Labcorp Genetics (formerly Invitae), Labcorp).